The following is an entry in ClinVar:

ClinVar aggregate classification (germline): Uncertain significance (1 of 4 stars; one submission).

Conditions:
Ataxia-telangiectasia syndrome (AT). Also called: Ataxia-telangiectasia, complementation group D; AT, COMPLEMENTATION GROUP C; ATAXIA-TELANGIECTASIA, COMPLEMENTATION GROUP A; ATAXIA-TELANGIECTASIA, FRESNO VARIANT; Ataxia-telangiectasia; Ataxia telangiectasia (A-T). Identifiers: Orphanet 100, MedGen C0004135, MONDO:0008840, OMIM 208900.

Submission:

Labcorp Genetics (formerly Invitae), Labcorp
Classification: Uncertain significance for Ataxia-telangiectasia syndrome. Last evaluated: 2022-03-07. Review status: criteria provided, single submitter. Criteria: Invitae Variant Classification Sherloc (09022015). Collection method: clinical testing. Allele origin: germline.
Comment: This variant is not present in population databases (gnomAD no frequency). This variant has not been reported in the literature in individuals affected with ATM-related conditions. This sequence change replaces tryptophan, which is neutral and slightly polar, with arginine, which is basic and polar, at codon 2091 of the ATM protein (p.Trp2091Arg). In summary, the available evidence is currently insufficient to determine the role of this variant in disease. Therefore, it has been classified as a Variant of Uncertain Significance. Advanced modeling of protein sequence and biophysical properties (such as structural, functional, and spatial information, amino acid conservation, physicochemical variation, residue mobility, and thermodynamic stability) performed at Invitae indicates that this missense variant is not expected to disrupt ATM protein function. ClinVar contains an entry for this variant (Variation ID: 998873).

NM_000051.4(ATM):c.6271T>A (p.Trp2091Arg)

Genes: ATM (ATM serine/threonine kinase; plus strand), C11orf65 (chromosome 11 open reading frame 65; minus strand). Cytogenetic location: 11q22.3.
Variant type: single nucleotide variant.
Coding change: c.6271T>A on transcript NM_000051.4 (MANE Select); coding-DNA position 6271, T replaced by A.
Protein change: p.Trp2091Arg; replaces tryptophan 2091 with arginine.
Molecular consequence: missense variant. On other transcripts: intron variant (2).
Genome position (GRCh38, 1-based): chr11:108,317,445, T>A. VCF-style: chr11-108317445-T-A. GRCh37 (hg19) VCF-style: chr11-108188172-T-A.
Other names: c.6271T>A, p.Trp2091Arg (NM_001351834.2); c.641-8374A>T (NM_001330368.2); c.*39-8374A>T (NM_001351110.2); short protein forms W2091R.
Identifiers: ClinVar variation 998873 (VCV000998873.47), dbSNP rs2084784301, ClinGen allele CA382551948.